The following is an entry in ClinVar:

NM_001845.6(COL4A1):c.2930del (p.Pro977fs)

Gene: COL4A1 (collagen type IV alpha 1 chain; minus strand). Cytogenetic location: 13q34.
Variant type: Deletion.
Coding change: c.2930del on transcript NM_001845.6 (MANE Select); coding-DNA position 2930, one base deleted (C; older notation c.2930delC).
Protein change: p.Pro977fs; shifts the reading frame from proline 977.
Molecular consequence: frameshift variant.
Genome position (GRCh38, 1-based): chr13:110,176,664, G deleted on the plus strand (C on the coding strand, the reverse complement: COL4A1 is on the minus strand); the first of 2 consecutive G bases (chr13:110,176,664-110,176,665); deleting either gives the same sequence. VCF-style (leftmost placement, unchanged base first): chr13-110176663-AG-A. GRCh37 (hg19) VCF-style: chr13-110829010-AG-A.
Other names: short protein forms P977fs.
Identifiers: ClinVar variation 1442186 (VCV001442186.6), dbSNP rs2139162697, ClinGen allele CA2573149436.

ClinVar aggregate classification (germline): Pathogenic (1 of 4 stars; one submission).

Submission:

Labcorp Genetics (formerly Invitae), Labcorp
Classification: Pathogenic. Last evaluated: 2024-10-22. Review status: criteria provided, single submitter. Criteria: Invitae Variant Classification Sherloc (09022015). Collection method: clinical testing. Allele origin: germline.
Comment: This sequence change creates a premature translational stop signal (p.Pro977Leufs*21) in the COL4A1 gene. It is expected to result in an absent or disrupted protein product. Loss-of-function variants in COL4A1 are known to be pathogenic (PMID: 23225343). This variant is not present in population databases (gnomAD no frequency). This variant has not been reported in the literature in individuals affected with COL4A1-related conditions. ClinVar contains an entry for this variant (Variation ID: 1442186). For these reasons, this variant has been classified as Pathogenic.

Literature cited by the submitters: PubMed 23225343.